The following is an entry in ClinVar:

NM_000543.5(SMPD1):c.1037C>T (p.Ala346Val)

Gene: SMPD1 (sphingomyelin phosphodiesterase 1; plus strand). Cytogenetic location: 11p15.4.
Variant type: single nucleotide variant.
Coding change: c.1037C>T on transcript NM_000543.5 (MANE Select); coding-DNA position 1037, C replaced by T.
Protein change: p.Ala346Val; replaces alanine 346 with valine.
Molecular consequence: missense variant. On other transcripts: nonsense (1), non-coding transcript variant (1).
Genome position (GRCh38, 1-based): chr11:6,392,102, C>T. VCF-style: chr11-6392102-C-T. GRCh37 (hg19) VCF-style: chr11-6413332-C-T.
Other names: c.1034C>T, p.Ala345Val (NM_001007593.3); c.1037C>T, p.Ala346Val (NM_001318087.2, NM_001365135.2); c.76C>T, p.Arg26Ter (NM_001318088.2); c.76C>T (NM_001318088.1); short protein forms R26*, A346V, A345V.
Identifiers: ClinVar variation 291288 (VCV000291288.11), dbSNP rs373508268, ClinGen allele CA5852736.

ClinVar aggregate classification (germline): Uncertain significance. Review status: criteria provided, multiple submitters, no conflicts (2 of 4 stars). 4 submissions from 4 submitters: Uncertain significance (4). Last evaluated 2025-06-13.

Conditions:
SMPD1-related disorder. Also called: SMPD1-related condition.
Niemann-Pick disease, type A. Also called: Infantile Neurovisceral ASMD (Niemann-Pick Disease Type A; NPD-A); SPHINGOMYELIN LIPIDOSIS; SPHINGOMYELINASE DEFICIENCY. Identifiers: Orphanet 77292, MedGen C0268242, MONDO:0009756, OMIM 257200. Disease mechanism: loss of function.
Niemann-Pick disease, type B. Also called: Chronic Visceral ASMD (Niemann-Pick Disease Type B; NPD-B). Identifiers: Orphanet 77293, MedGen C0268243, MONDO:0011871, OMIM 607616. Disease mechanism: loss of function.

Allele frequency attached by ClinVar (database versions not stated): gnomAD exomes 0.00002 and 0.00003; ExAC 0.00005; gnomAD 0.00011; TOPMed 0.00012.
gnomAD v4.1: 54 of 1,614,132 alleles (0.0033%); highest among the groups gnomAD compares: African/African-American, 0.037%; no homozygotes.

Submissions (4):

PreventionGenetics, part of Exact Sciences
Classification: Uncertain significance for SMPD1-related condition. Last evaluated: 2025-06-13. Review status: criteria provided, single submitter. Criteria: ACMG Guidelines, 2015. Collection method: clinical testing. Allele origin: germline.
Comment: The SMPD1 c.76C>T variant is predicted to result in premature protein termination (p.Arg26*). To our knowledge, this variant has not been reported in the literature. This variant is reported in 0.012% of alleles in individuals of African descent in gnomAD. In one alternate transcript this variant creates a nonsense change in the first coding exon; however, the biological relevance of that particular transcript is not known (NM_001318088.1:c.76C>T (p.Arg26*)). At this time, the clinical significance of this variant is uncertain due to the absence of conclusive functional and genetic evidence.

Department of Pathology and Laboratory Medicine, Sinai Health System
Classification: Uncertain significance for Niemann-Pick disease, type A; Niemann-Pick disease, type B. Last evaluated: 2022-07-21. Review status: criteria provided, single submitter. Criteria: ACMG Guidelines, 2015. Collection method: research. Allele origin: germline.

GeneDx
Classification: Uncertain significance. Last evaluated: 2021-04-15. Review status: criteria provided, single submitter. Criteria: GeneDx Variant Classification Process June 2021. Collection method: clinical testing. Allele origin: germline. Affected: yes.
Comment: Has not been previously published as pathogenic or benign to our knowledge; Not observed at a significant frequency in large population cohorts (Lek et al., 2016); In silico analysis supports that this missense variant does not alter protein structure/function; Missense variants in this gene are often considered pathogenic (Stenson et al., 2014)

Eurofins Ntd Llc (ga)
Classification: Uncertain significance. Last evaluated: 2018-09-13. Review status: criteria provided, single submitter. Criteria: EGL ClinVar v180209 classification definitions. Collection method: clinical testing. Allele origin: germline. Observed: 2 variant alleles, 2 heterozygotes.